The following is an entry in ClinVar:

ClinVar aggregate classification (germline): Uncertain significance. Review status: criteria provided, multiple submitters, no conflicts (2 of 4 stars). 3 submissions from 3 submitters: Uncertain significance (3). Last evaluated 2023-10-01.

Conditions:
Retinal dystrophy. Also called: Inherited retinal dystrophy. Identifiers: Orphanet 71862, MedGen C0854723, MeSH D058499, MONDO:0019118, HP:0000556.

Allele frequency attached by ClinVar (database versions not stated): ExAC 0.00005; TOPMed 0.00005; ESP Exome Variant Server 0.00016.
gnomAD v4.1: 63 of 1,613,992 alleles (0.0039%); highest among the groups gnomAD compares: Middle Eastern, 0.016%; no homozygotes.

Submissions (3):

Dept Of Ophthalmology, Nagoya University
Classification: Uncertain significance for Retinal dystrophy. Last evaluated: 2023-10-01. Review status: criteria provided, single submitter. Criteria: Submitter's publication. Collection method: research. Allele origin: germline. Affected: yes.

Blueprint Genetics
Classification: Uncertain significance. Last evaluated: 2023-05-25. Review status: criteria provided, single submitter. Criteria: ACMG Guidelines, 2015. Collection method: clinical testing. Allele origin: germline.

Labcorp Genetics (formerly Invitae), Labcorp
Classification: Uncertain significance. Last evaluated: 2022-10-25. Review status: criteria provided, single submitter. Criteria: Invitae Variant Classification Sherloc (09022015). Collection method: clinical testing. Allele origin: germline.
Comment: In summary, the available evidence is currently insufficient to determine the role of this variant in disease. Therefore, it has been classified as a Variant of Uncertain Significance. Algorithms developed to predict the effect of missense changes on protein structure and function output the following: SIFT: "Tolerated"; PolyPhen-2: "Benign"; Align-GVGD: "Class C0". The glutamine amino acid residue is found in multiple mammalian species, which suggests that this missense change does not adversely affect protein function. ClinVar contains an entry for this variant (Variation ID: 1040109). This variant has not been reported in the literature in individuals affected with PCARE-related conditions. This variant is present in population databases (rs375826049, gnomAD 0.02%). This sequence change replaces arginine, which is basic and polar, with glutamine, which is neutral and polar, at codon 1177 of the PCARE protein (p.Arg1177Gln).

NM_001029883.3(PCARE):c.3530G>A (p.Arg1177Gln)

Gene: PCARE (photoreceptor cilium actin regulator; minus strand). Cytogenetic location: 2p23.2.
Variant type: single nucleotide variant.
Coding change: c.3530G>A on transcript NM_001029883.3 (MANE Select); coding-DNA position 3530, G replaced by A.
Protein change: p.Arg1177Gln; replaces arginine 1177 with glutamine.
Molecular consequence: missense variant.
Genome position (GRCh38, 1-based): chr2:29,070,732, C>T on the plus strand (G>A on the coding strand, the complement: PCARE is on the minus strand). VCF-style: chr2-29070732-C-T. GRCh37 (hg19) VCF-style: chr2-29293598-C-T.
Other names: short protein forms R1177Q.
Identifiers: ClinVar variation 1040109 (VCV001040109.8), dbSNP rs375826049, ClinGen allele CA1591904.
Genomic context (GRCh38, chr2:29,070,732, plus strand): 5'-CGGTCAGAAGCTGTCCTCCTGAGGAAAGGCAGAGGGTTGAGGGCACACAGAGCTGCTCTC[C>T]GCTGCGAGTCTGCTCTCAGCCAAGGCCCTGAGCTGTTCTTCCAGCATTCTGCTGGGTTCC-3'
Protein context (NP_001025054.1, residues 1167-1187): SGPWLRADSQ[Arg1177Gln]RAALCALNPL